The following is an entry in ClinVar:

NM_015335.5(MED13L):c.3498G>T (p.Ala1166=)

Gene: MED13L (mediator complex subunit 13L; minus strand). Cytogenetic location: 12q24.21.
Variant type: single nucleotide variant.
Coding change: c.3498G>T on transcript NM_015335.5 (MANE Select); coding-DNA position 3498, G replaced by T.
Protein change: p.Ala1166=; no amino-acid change (alanine 1166 retained).
Molecular consequence: synonymous variant.
Genome position (GRCh38, 1-based): chr12:115,991,456, C>A on the plus strand (G>T on the coding strand, the complement: MED13L is on the minus strand). VCF-style: chr12-115991456-C-A. GRCh37 (hg19) VCF-style: chr12-116429261-C-A.
Identifiers: ClinVar variation 623819 (VCV000623819.48), dbSNP rs200960898, ClinGen allele CA6810976.
Genomic context (GRCh38, chr12:115,991,456, plus strand): 5'-AATATCCAACTCATCTTCAAGGAAGAGTCCTGAATTGTAGCCAAGTTTGCGGTTCATAAT[C>A]GCACTAAACCCACAGGTACAGCGGTACTGGTCCTCATTGGAAGAATCGGGGATGTAAAGC-3'
Protein context (NP_056150.1, residues 1156-1176): DQYRCTCGFS[Ala1166=]IMNRKLGYNS

ClinVar aggregate classification (germline): Benign/Likely benign. Review status: criteria provided, multiple submitters, no conflicts (2 of 4 stars). 3 submissions from 3 submitters: Benign (1); Likely benign (2). Last evaluated 2025-12-08.

Conditions:
Dextro-looped transposition of the great arteries. Also called: Dextrotransposition of the great arteries. Identifiers: Orphanet 860, MedGen C3531771, MONDO:0019443, OMIM 608808, HP:0031348.

Allele frequency attached by ClinVar (database versions not stated): TOPMed 0.00006; gnomAD exomes 0.00010; ExAC 0.00011; gnomAD 0.00013.
gnomAD v4.1: 207 of 1,614,132 alleles (0.013%); highest among the groups gnomAD compares: Middle Eastern, 0.033%; no homozygotes.

Submissions (3):

Labcorp Genetics (formerly Invitae), Labcorp
Classification: Benign for Dextro-looped transposition of the great arteries. Last evaluated: 2025-12-08. Review status: criteria provided, single submitter. Criteria: Invitae Variant Classification Sherloc (09022015). Collection method: clinical testing. Allele origin: germline.

Blueprint Genetics
Classification: Likely benign. Last evaluated: 2024-10-07. Review status: criteria provided, single submitter. Criteria: ACMG Guidelines, 2015. Collection method: clinical testing. Allele origin: germline.

CeGaT Center for Human Genetics Tuebingen
Classification: Likely benign. Last evaluated: 2023-02-01. Review status: criteria provided, single submitter. Criteria: CeGaT Center For Human Genetics Tuebingen Variant Classification Criteria Version 2. Collection method: clinical testing. Allele origin: germline. Affected: yes. Observed: 5 variant alleles.
Comment: MED13L: BP4, BP7